The following is an entry in ClinVar:

NM_003906.5(MCM3AP):c.1878T>C (p.Asp626=)

Gene: MCM3AP (minichromosome maintenance complex component 3 associated protein; minus strand). Cytogenetic location: 21q22.3.
Variant type: single nucleotide variant.
Coding change: c.1878T>C on transcript NM_003906.5 (MANE Select); coding-DNA position 1878, T replaced by C.
Protein change: p.Asp626=; no amino-acid change (aspartic acid 626 retained).
Molecular consequence: synonymous variant.
Genome position (GRCh38, 1-based): chr21:46,275,306, A>G on the plus strand (T>C on the coding strand, the complement: MCM3AP is on the minus strand). VCF-style: chr21-46275306-A-G. GRCh37 (hg19) VCF-style: chr21-47695220-A-G.
Other names: p.Asp626=.
Identifiers: ClinVar variation 1229610 (VCV001229610.15), dbSNP rs2839190, ClinGen allele CA10076943.

ClinVar aggregate classification (germline): Benign. Review status: criteria provided, multiple submitters, no conflicts (2 of 4 stars). 5 submissions from 5 submitters: Benign (4). 1 of the submissions does not count toward it. Last evaluated 2026-02-03.

Conditions:
MCM3AP-related disorder. Also called: MCM3AP-related condition.

Allele frequency attached by ClinVar (database versions not stated): gnomAD exomes 0.02366 and 0.04291; ExAC 0.05047; gnomAD 0.11551 and 0.12188; TOPMed 0.12860; ESP Exome Variant Server 0.13032; 1000 Genomes Project 0.13978; 1000 Genomes Project 30x 0.14834.
gnomAD v4.1: 53,213 of 1,613,394 alleles (3.3%); highest among the groups gnomAD compares: African/African-American, 37%; 5,774 homozygotes.

Submissions (5):

Labcorp Genetics (formerly Invitae), Labcorp
Classification: Benign. Last evaluated: 2026-02-03. Review status: criteria provided, single submitter. Criteria: Invitae Variant Classification Sherloc (09022015). Collection method: clinical testing. Allele origin: germline.

Mayo Clinic Laboratories, Mayo Clinic
Classification: Benign. Last evaluated: 2022-03-24. Review status: criteria provided, single submitter. Criteria: ACMG Guidelines, 2015. Collection method: clinical testing. Allele origin: germline. Observed: 61 variant alleles.

GeneDx
Classification: Benign. Last evaluated: 2021-05-04. Review status: criteria provided, single submitter. Criteria: GeneDx Variant Classification Process June 2021. Collection method: clinical testing. Allele origin: germline. Affected: yes.

Breakthrough Genomics
Classification: Benign. Review status: criteria provided, single submitter. Criteria: ACMG Guidelines, 2015. Collection method: not provided. Allele origin: germline. Inheritance: Autosomal recessive inheritance. Affected: yes.

PreventionGenetics, part of Exact Sciences
Classification: Benign for MCM3AP-related condition. Last evaluated: 2019-10-29. Review status: no assertion criteria provided. Collection method: clinical testing. Allele origin: germline. Not counted in ClinVar's aggregate classification.
Comment: This variant is classified as benign based on ACMG/AMP sequence variant interpretation guidelines (Richards et al. 2015 PMID: 25741868, with internal and published modifications).